The following is an entry in ClinVar:

ClinVar aggregate classification (germline): Uncertain significance (1 of 4 stars; one submission).

Conditions:
Ataxia-telangiectasia syndrome (AT). Also called: ATAXIA-TELANGIECTASIA, COMPLEMENTATION GROUP A; ATAXIA-TELANGIECTASIA, FRESNO VARIANT; Ataxia-telangiectasia; Ataxia-telangiectasia, complementation group E; LOUIS-BAR SYNDROME; Cerebello-oculocutaneous telangiectasia. Identifiers: Orphanet 100, MedGen C0004135, MONDO:0008840, OMIM 208900.

Submission:

Labcorp Genetics (formerly Invitae), Labcorp
Classification: Uncertain significance for Ataxia-telangiectasia syndrome. Last evaluated: 2022-02-25. Review status: criteria provided, single submitter. Criteria: Invitae Variant Classification Sherloc (09022015). Collection method: clinical testing. Allele origin: germline.
Comment: In summary, the available evidence is currently insufficient to determine the role of this variant in disease. Therefore, it has been classified as a Variant of Uncertain Significance. Advanced modeling of protein sequence and biophysical properties (such as structural, functional, and spatial information, amino acid conservation, physicochemical variation, residue mobility, and thermodynamic stability) performed at Invitae indicates that this missense variant is not expected to disrupt ATM protein function. This variant has not been reported in the literature in individuals affected with ATM-related conditions. This variant is not present in population databases (gnomAD no frequency). This sequence change replaces lysine, which is basic and polar, with isoleucine, which is neutral and non-polar, at codon 2431 of the ATM protein (p.Lys2431Ile).

NM_000051.4(ATM):c.7292A>T (p.Lys2431Ile)

Genes: ATM (ATM serine/threonine kinase; plus strand), C11orf65 (chromosome 11 open reading frame 65; minus strand). Cytogenetic location: 11q22.3.
Variant type: single nucleotide variant.
Coding change: c.7292A>T on transcript NM_000051.4 (MANE Select); coding-DNA position 7292, A replaced by T.
Protein change: p.Lys2431Ile; replaces lysine 2431 with isoleucine.
Molecular consequence: missense variant. On other transcripts: intron variant (2).
Genome position (GRCh38, 1-based): chr11:108,329,223, A>T. VCF-style: chr11-108329223-A-T. GRCh37 (hg19) VCF-style: chr11-108199950-A-T.
Other names: c.7292A>T, p.Lys2431Ile (NM_001351834.2); c.641-20152T>A (NM_001330368.2); c.*38+5997T>A (NM_001351110.2); short protein forms K2431I.
Identifiers: ClinVar variation 2103516 (VCV002103516.4), dbSNP rs2547250963, ClinGen allele CA382559812.